The following is an entry in ClinVar:

NM_013275.6(ANKRD11):c.3693_3697del (p.Asp1231fs)

Gene: ANKRD11 (ankyrin repeat domain 11; minus strand). Cytogenetic location: 16q24.3.
Variant type: Deletion.
Coding change: c.3693_3697del on transcript NM_013275.6 (MANE Select); coding-DNA positions 3693 to 3697, 5 bases deleted (TAAGA; older notation c.3693_3697delTAAGA).
Protein change: p.Asp1231fs; shifts the reading frame from aspartic acid 1231.
Molecular consequence: frameshift variant.
Genome position (GRCh38, 1-based): chr16:89,282,845-89,282,849, TCTTA deleted on the plus strand (TAAGA on the coding strand, the reverse complement: ANKRD11 is on the minus strand); deleting any 5 consecutive bases within chr16:89,282,845-89,282,853 gives the same sequence; the c. name uses the placement nearest the transcript's 3' end. VCF-style (leftmost placement, unchanged base first): chr16-89282844-TTCTTA-T. GRCh37 (hg19) VCF-style: chr16-89349252-TTCTTA-T.
Other names: c.3693_3697del, p.Asp1231fs (NM_001256182.2, NM_001256183.2); short protein forms D1231fs.
Identifiers: ClinVar variation 1679373 (VCV001679373.25), dbSNP rs2151753736, ClinGen allele CA2573152771.

ClinVar aggregate classification (germline): Pathogenic. Review status: criteria provided, multiple submitters, no conflicts (2 of 4 stars). 2 submissions from 2 submitters: Pathogenic (2). Last evaluated 2022-07-27.

Conditions:
KBG syndrome (KBGS). Also called: ANKRD11-Related KBG Syndrome. Identifiers: Orphanet 2332, MedGen C0220687, MONDO:0007846, OMIM 148050.

Submissions (2):

Medical Genetics Unit, Azienda USL-IRCCS di Reggio Emilia
Classification: Pathogenic for KBG syndrome. Last evaluated: 2022-07-27. Review status: criteria provided, single submitter. Criteria: ACMG Guidelines, 2015. Collection method: clinical testing. Allele origin: de novo. Affected: yes. Observed: 1 variant allele.
Comment: ACMG/AMP: PVS1,PS2,PM2

Department of Clinical Genetics, Copenhagen University Hospital, Rigshospitalet
Classification: Pathogenic for KBG syndrome. Last evaluated: 2021-08-01. Review status: criteria provided, single submitter. Criteria: ACMG Guidelines, 2015. Collection method: clinical testing. Allele origin: de novo. Affected: yes.